The following is an entry in ClinVar:

NM_000127.3(EXT1):c.1801A>G (p.Asn601Asp)

Gene: EXT1 (exostosin glycosyltransferase 1; minus strand). Cytogenetic location: 8q24.11.
Variant type: single nucleotide variant.
Coding change: c.1801A>G on transcript NM_000127.3 (MANE Select); coding-DNA position 1801, A replaced by G.
Protein change: p.Asn601Asp; replaces asparagine 601 with aspartic acid.
Molecular consequence: missense variant.
Genome position (GRCh38, 1-based): chr8:117,807,299, T>C on the plus strand (A>G on the coding strand, the complement: EXT1 is on the minus strand). VCF-style: chr8-117807299-T-C. GRCh37 (hg19) VCF-style: chr8-118819538-T-C.
Other names: short protein forms N601D.
Identifiers: ClinVar variation 2883814 (VCV002883814.3), dbSNP rs372876057, ClinGen allele CA4854010.

ClinVar aggregate classification (germline): Uncertain significance (1 of 4 stars; one submission).

Conditions:
Multiple congenital exostosis (EXT). Also called: Hereditary multiple exostoses; Hereditary multiple exostosis; MULTIPLE CARTILAGINOUS EXOSTOSES; Multiple osteochondromas; Hereditary multiple osteochondromas; Multiple exostoses. Identifiers: Orphanet 321, MedGen C0015306, MONDO:0005508, HP:0002762.

Allele frequency attached by ClinVar (database versions not stated): gnomAD exomes below 0.00001; gnomAD 0.00001; ExAC 0.00002; TOPMed 0.00003; ESP Exome Variant Server 0.00008.
gnomAD v4.1: 4 of 1,614,100 alleles (0.00025%); highest among the groups gnomAD compares: African/African-American, 0.0053%; no homozygotes.

Submission:

Labcorp Genetics (formerly Invitae), Labcorp
Classification: Uncertain significance for Multiple congenital exostosis. Last evaluated: 2024-04-24. Review status: criteria provided, single submitter. Criteria: Invitae Variant Classification Sherloc (09022015). Collection method: clinical testing. Allele origin: germline.
Comment: This sequence change replaces asparagine, which is neutral and polar, with aspartic acid, which is acidic and polar, at codon 601 of the EXT1 protein (p.Asn601Asp). This variant is present in population databases (rs372876057, gnomAD 0.01%). This variant has not been reported in the literature in individuals affected with EXT1-related conditions. Advanced modeling of protein sequence and biophysical properties (such as structural, functional, and spatial information, amino acid conservation, physicochemical variation, residue mobility, and thermodynamic stability) performed at Invitae indicates that this missense variant is not expected to disrupt EXT1 protein function with a negative predictive value of 80%. In summary, the available evidence is currently insufficient to determine the role of this variant in disease. Therefore, it has been classified as a Variant of Uncertain Significance.